The following is an entry in ClinVar:

ClinVar aggregate classification (germline): Pathogenic. Review status: criteria provided, multiple submitters, no conflicts (2 of 4 stars). 2 submissions from 2 submitters: Pathogenic (2). Last evaluated 2024-09-17.

Conditions:
Tuberous sclerosis syndrome (TSC). Also called: Tuberous Sclerosis Complex; Tuberous sclerosis. Identifiers: Orphanet 805, MedGen C0041341, MONDO:0001734.
Tuberous sclerosis 1 (TSC1). Identifiers: Orphanet 805, MedGen C1854465, MONDO:0008612, OMIM 191100.

Submissions (2):

Labcorp Genetics (formerly Invitae), Labcorp
Classification: Pathogenic for Tuberous sclerosis 1. Last evaluated: 2024-09-17. Review status: criteria provided, single submitter. Criteria: Invitae Variant Classification Sherloc (09022015). Collection method: clinical testing. Allele origin: germline.
Comment: This sequence change creates a premature translational stop signal (p.Ala173Glyfs*45) in the TSC1 gene. It is expected to result in an absent or disrupted protein product. Loss-of-function variants in TSC1 are known to be pathogenic (PMID: 10227394, 17304050). This variant is not present in population databases (gnomAD no frequency). This variant has not been reported in the literature in individuals affected with TSC1-related conditions. For these reasons, this variant has been classified as Pathogenic.

Women's Health and Genetics/Laboratory Corporation of America, LabCorp
Classification: Pathogenic for Tuberous sclerosis syndrome. Last evaluated: 2024-03-01. Review status: criteria provided, single submitter. Criteria: LabCorp Variant Classification Summary - May 2015. Collection method: clinical testing. Allele origin: germline.
Comment: Variant summary: TSC1 c.515dupT (p.Ala173GlyfsX45) results in a premature termination codon, predicted to cause a truncation of the encoded protein or absence of the protein due to nonsense mediated decay, which are commonly known mechanisms for disease. The variant was absent in 251390 control chromosomes (gnomAD). To our knowledge, no occurrence of c.515dupT in individuals affected with Tuberous Sclerosis Complex and no experimental evidence demonstrating its impact on protein function have been reported. No submitters have cited clinical-significance assessments for this variant to ClinVar. Based on the evidence outlined above, the variant was classified as pathogenic.

Literature cited by the submitters: PubMed 10227394 (cited by Labcorp Genetics (formerly Invitae), Labcorp); PubMed 17304050 (cited by Labcorp Genetics (formerly Invitae), Labcorp).

NM_000368.5(TSC1):c.515dup (p.Ala173fs)

Gene: TSC1 (TSC complex subunit 1; minus strand). Cytogenetic location: 9q34.13.
Variant type: Duplication.
Coding change: c.515dup on transcript NM_000368.5 (MANE Select); coding-DNA position 515, one base duplicated (T; older notation c.515dupT).
Protein change: p.Ala173fs; shifts the reading frame from alanine 173.
Molecular consequence: frameshift variant. On other transcripts: non-coding transcript variant (5), 5 prime UTR variant (5).
Genome position (GRCh38, 1-based): chr9:132,921,967, A duplicated on the plus strand (T on the coding strand, the reverse complement: TSC1 is on the minus strand). VCF-style (leftmost placement, unchanged base first): chr9-132921966-C-CA. GRCh37 (hg19) VCF-style: chr9-135797353-C-CA.
Other names: c.515dup, p.Ala173fs (NM_001162426.2, NM_001406592.1, NM_001406593.1 and 16 more transcripts); c.362dup, p.Ala122fs (NM_001162427.2, NM_001406610.1, NM_001406611.1 and 2 more transcripts); c.152dup, p.Ala52fs (NM_001362177.2, NM_001406614.1, NM_001406615.1 and 10 more transcripts); c.-363dup (NM_001406627.1, NM_001406628.1, NM_001406626.1); c.-505dup (NM_001406629.1); c.-579dup (NM_001406630.1); c.515dupT (NM_000368.5); short protein forms A122fs, A173fs, A52fs.
Identifiers: ClinVar variation 3233707 (VCV003233707.4), dbSNP rs2539017364, ClinGen allele CA2825001618.